The following is an entry in ClinVar:

NM_003718.5(CDK13):c.2668C>T (p.Arg890Ter)

Gene: CDK13 (cyclin dependent kinase 13; plus strand). Cytogenetic location: 7p14.1.
Variant type: single nucleotide variant.
Coding change: c.2668C>T on transcript NM_003718.5 (MANE Select); coding-DNA position 2668, C replaced by T.
Protein change: p.Arg890Ter; replaces arginine 890 with a stop codon.
Molecular consequence: nonsense.
Genome position (GRCh38, 1-based): chr7:40,062,893, C>T. VCF-style: chr7-40062893-C-T. GRCh37 (hg19) VCF-style: chr7-40102492-C-T.
Other names: c.2668C>T, p.Arg890Ter (NM_031267.4); short protein forms R890*.
Identifiers: ClinVar variation 2575799 (VCV002575799.5), dbSNP rs750425667, ClinGen allele CA367285748.

ClinVar aggregate classification (germline): Conflicting classifications of pathogenicity. Review status: criteria provided, conflicting classifications (1 of 4 stars). 2 submissions from 2 submitters: Likely pathogenic (1); Uncertain significance (1). Last evaluated 2023-09-05.

Conditions:
CDK13-related disorder. Also called: CDK13-related condition. Identifiers: MedGen C5816700.

gnomAD v4.1: 1 of 1,613,654 alleles (0.000062%); highest among the groups gnomAD compares: Admixed American, 0.0017%; no homozygotes.

Submissions (2):

GeneDx
Classification: Uncertain significance. Last evaluated: 2023-09-05. Review status: criteria provided, single submitter. Criteria: GeneDx Variant Classification Process June 2021. Collection method: clinical testing. Allele origin: germline. Affected: yes.
Comment: Nonsense variant predicted to result in protein truncation or nonsense mediated decay in a gene or region of a gene for which loss of function is not a well-established mechanism of disease; Not observed at significant frequency in large population cohorts (gnomAD); Has not been previously published as pathogenic or benign to our knowledge

PreventionGenetics, part of Exact Sciences
Classification: Likely pathogenic for CDK13-related condition. Last evaluated: 2023-02-09. Review status: criteria provided, single submitter. Criteria: ACMG Guidelines, 2015. Collection method: clinical testing. Allele origin: germline.
Comment: The CDK13 c.2668C>T variant is predicted to result in premature protein termination (p.Arg890*). To our knowledge, this variant has not been reported in the literature or in a large population database, indicating this variant is rare. Nonsense variants in CDK13 are expected to be pathogenic. This variant is interpreted as likely pathogenic.